The following is an entry in ClinVar:

NM_080632.3(UPF3B):c.241G>A (p.Glu81Lys)

Gene: UPF3B (UPF3B regulator of nonsense mediated mRNA decay; minus strand). Cytogenetic location: Xq24.
Variant type: single nucleotide variant.
Coding change: c.241G>A on transcript NM_080632.3 (MANE Select); coding-DNA position 241, G replaced by A.
Protein change: p.Glu81Lys; replaces glutamic acid 81 with lysine.
Molecular consequence: missense variant.
Genome position (GRCh38, 1-based): chrX:119,851,789, C>T on the plus strand (G>A on the coding strand, the complement: UPF3B is on the minus strand). VCF-style: chrX-119851789-C-T. GRCh37 (hg19) VCF-style: chrX-118985752-C-T.
Other names: c.241G>A, p.Glu81Lys (NM_023010.4); short protein forms E81K.
Identifiers: ClinVar variation 2118898 (VCV002118898.4), dbSNP rs2521576651, ClinGen allele CA414185521.

ClinVar aggregate classification (germline): Uncertain significance (1 of 4 stars; one submission).

Conditions:
Intellectual developmental disorder, X-linked, syndromic 14. Also called: Syndromic X-linked intellectual disability 14. Identifiers: Orphanet 776, MedGen C1970822, MONDO:0010398, OMIM 300676.

Submission:

Labcorp Genetics (formerly Invitae), Labcorp
Classification: Uncertain significance for Intellectual developmental disorder, X-linked, syndromic 14. Last evaluated: 2022-04-01. Review status: criteria provided, single submitter. Criteria: Invitae Variant Classification Sherloc (09022015). Collection method: clinical testing. Allele origin: germline.
Comment: This sequence change replaces glutamic acid, which is acidic and polar, with lysine, which is basic and polar, at codon 81 of the UPF3B protein (p.Glu81Lys). This variant is not present in population databases (gnomAD no frequency). This variant has not been reported in the literature in individuals affected with UPF3B-related conditions. In summary, the available evidence is currently insufficient to determine the role of this variant in disease. Therefore, it has been classified as a Variant of Uncertain Significance. Algorithms developed to predict the effect of missense changes on protein structure and function are either unavailable or do not agree on the potential impact of this missense change (SIFT: "Tolerated"; PolyPhen-2: "Probably Damaging"; Align-GVGD: "Class C0").